The following is an entry in ClinVar:

ClinVar aggregate classification (germline): Uncertain significance (1 of 4 stars; one submission).

Allele frequency attached by ClinVar (database versions not stated): gnomAD exomes below 0.00001; ExAC 0.00001.
gnomAD v4.1: 2 of 1,567,250 alleles (0.00013%); highest among the groups gnomAD compares: Admixed American, 0.0018%; no homozygotes.

Submission:

Labcorp Genetics (formerly Invitae), Labcorp
Classification: Uncertain significance. Last evaluated: 2025-12-08. Review status: criteria provided, single submitter. Criteria: Invitae Variant Classification Sherloc (09022015). Collection method: clinical testing. Allele origin: germline.
Comment: This sequence change replaces arginine, which is basic and polar, with lysine, which is basic and polar, at codon 65 of the LARP7 protein (p.Arg65Lys). This variant is present in population databases (rs780254262, gnomAD 0.003%). This variant has not been reported in the literature in individuals affected with LARP7-related conditions. ClinVar contains an entry for this variant (Variation ID: 1345970). Invitae Evidence Modeling of protein sequence and biophysical properties (such as structural, functional, and spatial information, amino acid conservation, physicochemical variation, residue mobility, and thermodynamic stability) has been performed for this missense variant. However, the output from this modeling did not meet the statistical confidence thresholds required to predict the impact of this variant on LARP7 protein function. In summary, the available evidence is currently insufficient to determine the role of this variant in disease. Therefore, it has been classified as a Variant of Uncertain Significance.

NM_016648.4(LARP7):c.194G>A (p.Arg65Lys)

Gene: LARP7 (La ribonucleoprotein 7, transcriptional regulator; plus strand). Cytogenetic location: 4q25.
Variant type: single nucleotide variant.
Coding change: c.194G>A on transcript NM_016648.4 (MANE Select); coding-DNA position 194, G replaced by A.
Protein change: p.Arg65Lys; replaces arginine 65 with lysine.
Molecular consequence: missense variant. On other transcripts: intron variant (2).
Genome position (GRCh38, 1-based): chr4:112,644,863, G>A. VCF-style: chr4-112644863-G-A. GRCh37 (hg19) VCF-style: chr4-113566019-G-A.
Other names: c.194G>A, p.Arg65Lys (NM_001267039.4, NM_001370974.1, NM_001370975.1 and 6 more transcripts); c.-36+95G>A (NM_001370982.1, NM_001370981.1); short protein forms R65K.
Identifiers: ClinVar variation 1345970 (VCV001345970.6), dbSNP rs780254262, ClinGen allele CA3048943.